The following is an entry in ClinVar:

NM_176787.5(PIGN):c.1614del (p.Tyr539fs)

Gene: PIGN (phosphatidylinositol glycan anchor biosynthesis class N; minus strand). Cytogenetic location: 18q21.33.
Variant type: Deletion.
Coding change: c.1614del on transcript NM_176787.5 (MANE Select); coding-DNA position 1614, one base deleted (C; older notation c.1614delC).
Protein change: p.Tyr539fs; shifts the reading frame from tyrosine 539.
Molecular consequence: frameshift variant.
Genome position (GRCh38, 1-based): chr18:62,107,046, G deleted on the plus strand (C on the coding strand, the reverse complement: PIGN is on the minus strand); the first of 2 consecutive G bases (chr18:62,107,046-62,107,047); deleting either gives the same sequence. VCF-style (leftmost placement, unchanged base first): chr18-62107045-AG-A. GRCh37 (hg19) VCF-style: chr18-59774278-AG-A.
Other names: c.1614del, p.Tyr539fs (NM_012327.6); short protein forms Y539fs.
Identifiers: ClinVar variation 2695830 (VCV002695830.3), dbSNP rs2512965538, ClinGen allele CA2697555570.

ClinVar aggregate classification (germline): Pathogenic (1 of 4 stars; one submission).

Conditions:
Multiple congenital anomalies-hypotonia-seizures syndrome 1 (MCAHS1). Also called: GLYCOSYLPHOSPHATIDYLINOSITOL BIOSYNTHESIS DEFECT 3; PIGN-CDG; Congenital disorder of glycosylation due to PIGN deficiency. Identifiers: Orphanet 280633, MedGen C3279775, MONDO:0013563, OMIM 614080.

Submission:

Labcorp Genetics (formerly Invitae), Labcorp
Classification: Pathogenic for Multiple congenital anomalies-hypotonia-seizures syndrome 1. Last evaluated: 2023-11-14. Review status: criteria provided, single submitter. Criteria: Invitae Variant Classification Sherloc (09022015). Collection method: clinical testing. Allele origin: germline.
Comment: This sequence change creates a premature translational stop signal (p.Tyr539Ilefs*3) in the PIGN gene. It is expected to result in an absent or disrupted protein product. Loss-of-function variants in PIGN are known to be pathogenic (PMID: 24253414, 27038415). This variant is not present in population databases (gnomAD no frequency). This variant has not been reported in the literature in individuals affected with PIGN-related conditions. For these reasons, this variant has been classified as Pathogenic.

Literature cited by the submitters: PubMed 24253414; PubMed 27038415.